The following is an entry in ClinVar:

NM_000465.4(BARD1):c.2301_2303delinsACATC (p.Met768fs)

Gene: BARD1 (BRCA1 associated RING domain 1; minus strand). Cytogenetic location: 2q35.
Variant type: Indel.
Coding change: c.2301_2303delinsACATC on transcript NM_000465.4 (MANE Select); coding-DNA positions 2301 to 2303, GAT replaced by ACATC.
Protein change: p.Met768fs; shifts the reading frame from methionine 768.
Molecular consequence: frameshift variant. On other transcripts: non-coding transcript variant (3).
Genome position (GRCh38, 1-based): chr2:214,728,707-214,728,709, ATC replaced by GATGT on the plus strand (GAT replaced by ACATC on the coding strand, the reverse complement: BARD1 is on the minus strand). VCF-style: chr2-214728707-ATC-GATGT. GRCh37 (hg19) VCF-style: chr2-215593431-ATC-GATGT.
Other names: c.2244_2246delinsACATC, p.Met749fs (NM_001282543.2); c.948_950delinsACATC, p.Met317fs (NM_001282545.2); c.891_893delinsACATC, p.Met298fs (NM_001282548.2); c.762_764delinsACATC, p.Met255fs (NM_001282549.2); short protein forms M298fs, M255fs, M317fs, M749fs, M768fs.
Identifiers: ClinVar variation 1789295 (VCV001789295.3), dbSNP rs2469267150, ClinGen allele CA2580065603.

ClinVar aggregate classification (germline): Likely pathogenic (1 of 4 stars; one submission).

Conditions:
Hereditary cancer-predisposing syndrome. Also called: Hereditary Cancer Syndrome; Hereditary neoplastic syndrome; Neoplastic Syndromes, Hereditary; Tumor predisposition. Identifiers: Orphanet 140162, MedGen C0027672, MeSH D009386, MONDO:0015356.

Submission:

Ambry Genetics
Classification: Likely pathogenic for Hereditary cancer-predisposing syndrome. Last evaluated: 2026-08-25. Review status: criteria provided, single submitter. Criteria: Ambry Variant Classification Scheme 2023. Collection method: clinical testing. Allele origin: germline.
Comment: The c.2301_2303delGATinsACATC variant, located in coding exon 11 of the BARD1 gene, results from the deletion of 3 nucleotides and insertion of 5 nucleotides causing a translational frameshift with a predicted alternate stop codon (p.M768Hfs*17). This alteration occurs at the 3' terminus of theBARD1 gene, is not expected to trigger nonsense-mediated mRNAdecay and results in the elongation of the protein by six amino acids. This frameshift impacts the last 10amino acids of the native protein. However, frameshifts are typically deleterious in nature and the impacted region is critical for protein function (Ambry internal data). This variant is considered to be rare based on population cohorts in the Genome Aggregation Database (gnomAD). Based on the majority of available evidence to date, this variant is likely to be pathogenic.

Literature cited by the submitters: PubMed 26757417.